The following is an entry in ClinVar:

ClinVar aggregate classification (germline): Pathogenic/Likely pathogenic. Review status: criteria provided, multiple submitters, no conflicts (2 of 4 stars). 3 submissions from 3 submitters: Pathogenic (1); Likely pathogenic (2). Last evaluated 2024-06-12.

Conditions:
Combined malonic and methylmalonic acidemia. Identifiers: Orphanet 289504, MedGen C3280314, MONDO:0013661, OMIM 614265.

Submissions (3):

Fulgent Genetics
Classification: Likely pathogenic for Combined malonic and methylmalonic acidemia. Last evaluated: 2024-06-12. Review status: criteria provided, single submitter. Criteria: ACMG Guidelines, 2015. Collection method: clinical testing. Allele origin: germline.

Baylor Genetics
Classification: Likely pathogenic for Combined malonic and methylmalonic acidemia. Last evaluated: 2023-05-25. Review status: criteria provided, single submitter. Criteria: ACMG Guidelines, 2015. Collection method: clinical testing. Allele origin: unknown.

Labcorp Genetics (formerly Invitae), Labcorp
Classification: Pathogenic for Combined malonic and methylmalonic acidemia. Last evaluated: 2022-09-09. Review status: criteria provided, single submitter. Criteria: Invitae Variant Classification Sherloc (09022015). Collection method: clinical testing. Allele origin: germline.
Comment: For these reasons, this variant has been classified as Pathogenic. This variant has not been reported in the literature in individuals affected with ACSF3-related conditions. This variant is not present in population databases (gnomAD no frequency). This sequence change creates a premature translational stop signal (p.Gln314*) in the ACSF3 gene. It is expected to result in an absent or disrupted protein product. Loss-of-function variants in ACSF3 are known to be pathogenic (PMID: 21841779, 26827111).

Literature cited by the submitters: PubMed 21841779 (cited by Labcorp Genetics (formerly Invitae), Labcorp); PubMed 26827111 (cited by Labcorp Genetics (formerly Invitae), Labcorp).

NM_001243279.3(ACSF3):c.940C>T (p.Gln314Ter)

Gene: ACSF3 (acyl-CoA synthetase family member 3; plus strand). Cytogenetic location: 16q24.3.
Variant type: single nucleotide variant.
Coding change: c.940C>T on transcript NM_001243279.3 (MANE Select); coding-DNA position 940, C replaced by T.
Protein change: p.Gln314Ter; replaces glutamine 314 with a stop codon.
Molecular consequence: nonsense. On other transcripts: non-coding transcript variant (3).
Genome position (GRCh38, 1-based): chr16:89,112,209, C>T. VCF-style: chr16-89112209-C-T. GRCh37 (hg19) VCF-style: chr16-89178617-C-T.
Other names: c.940C>T, p.Gln314Ter (NM_001127214.4, NM_174917.5); c.145C>T, p.Gln49Ter (NM_001284316.2); short protein forms Q49*, Q314*.
Identifiers: ClinVar variation 1940454 (VCV001940454.7), dbSNP rs1976773862, ClinGen allele CA397139403.